The following is an entry in ClinVar:

ClinVar aggregate classification (germline): Uncertain significance. Review status: criteria provided, multiple submitters, no conflicts (2 of 4 stars). 4 submissions from 4 submitters: Uncertain significance (4). Last evaluated 2026-08-14.

Conditions:
CYP4V2-related disorder. Also called: CYP4V2-related disorders; CYP4V2-related condition.
Inborn genetic diseases. Identifiers: MedGen C0950123, MeSH D030342.

Allele frequency attached by ClinVar (database versions not stated): gnomAD exomes 0.00001; ExAC 0.00003; gnomAD 0.00006; TOPMed 0.00007.
gnomAD v4.1: 14 of 1,585,232 alleles (0.00088%); highest among the groups gnomAD compares: African/African-American, 0.015%; no homozygotes.

Submissions (4):

PreventionGenetics, part of Exact Sciences
Classification: Uncertain significance for CYP4V2-related condition. Last evaluated: 2026-08-14. Review status: criteria provided, single submitter. Criteria: ACMG Guidelines, 2015. Collection method: clinical testing. Allele origin: germline.
Comment: The CYP4V2 c.40C>G variant is predicted to result in the amino acid substitution p.Leu14Val. To our knowledge, this variant has not been reported in the literature. This variant is reported in 0.0099% of alleles in individuals of African descent in gnomAD. At this time, the clinical significance of this variant is uncertain due to the absence of conclusive functional and genetic evidence.

Labcorp Genetics (formerly Invitae), Labcorp
Classification: Uncertain significance. Last evaluated: 2024-11-11. Review status: criteria provided, single submitter. Criteria: Invitae Variant Classification Sherloc (09022015). Collection method: clinical testing. Allele origin: germline.
Comment: This sequence change replaces leucine, which is neutral and non-polar, with valine, which is neutral and non-polar, at codon 14 of the CYP4V2 protein (p.Leu14Val). This variant is present in population databases (rs763159414, gnomAD 0.02%). This variant has not been reported in the literature in individuals affected with CYP4V2-related conditions. ClinVar contains an entry for this variant (Variation ID: 1026579). Invitae Evidence Modeling of protein sequence and biophysical properties (such as structural, functional, and spatial information, amino acid conservation, physicochemical variation, residue mobility, and thermodynamic stability) has been performed for this missense variant. However, the output from this modeling did not meet the statistical confidence thresholds required to predict the impact of this variant on CYP4V2 protein function. In summary, the available evidence is currently insufficient to determine the role of this variant in disease. Therefore, it has been classified as a Variant of Uncertain Significance.

Blueprint Genetics
Classification: Uncertain significance. Last evaluated: 2024-05-08. Review status: criteria provided, single submitter. Criteria: ACMG Guidelines, 2015. Collection method: clinical testing. Allele origin: germline.

Ambry Genetics
Classification: Uncertain significance for Inborn genetic diseases. Last evaluated: 2021-08-04. Review status: criteria provided, single submitter. Criteria: Ambry Variant Classification Scheme 2023. Collection method: clinical testing. Allele origin: germline.

NM_207352.4(CYP4V2):c.40C>G (p.Leu14Val)

Genes: CYP4V2 (cytochrome P450 family 4 subfamily V member 2; plus strand), LOC129993526 (ATAC-STARR-seq lymphoblastoid silent region 15858; plus strand). Cytogenetic location: 4q35.1.
Variant type: single nucleotide variant.
Coding change: c.40C>G on transcript NM_207352.4 (MANE Select); coding-DNA position 40, C replaced by G.
Protein change: p.Leu14Val; replaces leucine 14 with valine.
Molecular consequence: missense variant.
Genome position (GRCh38, 1-based): chr4:186,191,863, C>G. VCF-style: chr4-186191863-C-G. GRCh37 (hg19) VCF-style: chr4-187113017-C-G.
Other names: c.40C>G (NM_207352.3); short protein forms L14V.
Identifiers: ClinVar variation 1026579 (VCV001026579.14), dbSNP rs763159414, ClinGen allele CA3162411.
Genomic context (GRCh38, chr4:186,191,863, plus strand): 5'-CCGCGGCCGCCAGCCGGGGCGATGGCGGGGCTCTGGCTGGGGCTCGTGTGGCAGAAGCTG[C>G]TGCTGTGGGGCGCGGCGAGTGCCCTTTCCCTGGCCGGCGCCAGTCTGGTCCTGAGCCTGC-3'
Protein context (NP_997235.3, residues 4-24): LWLGLVWQKL[Leu14Val]LWGAASALSL